The following is an entry in ClinVar:

ClinVar aggregate classification (germline): Uncertain significance (1 of 4 stars; one submission).

Conditions:
T-B+ severe combined immunodeficiency due to JAK3 deficiency. Also called: SCID, T CELL-NEGATIVE, B CELL-POSITIVE, NK CELL-NEGATIVE; SCID, autosomal recessive, T-negative/B-positive type. Identifiers: Orphanet 35078, MedGen C1833275, MONDO:0010938, OMIM 600802.

Submission:

Labcorp Genetics (formerly Invitae), Labcorp
Classification: Uncertain significance for T-B+ severe combined immunodeficiency due to JAK3 deficiency. Last evaluated: 2024-12-08. Review status: criteria provided, single submitter. Criteria: Invitae Variant Classification Sherloc (09022015). Collection method: clinical testing. Allele origin: germline.
Comment: This variant, c.538_543del, results in the deletion of 2 amino acid(s) of the JAK3 protein (p.Arg180_Pro181del), but otherwise preserves the integrity of the reading frame. This variant is present in population databases (rs759876860, gnomAD 0.003%). This variant has not been reported in the literature in individuals affected with JAK3-related conditions. ClinVar contains an entry for this variant (Variation ID: 2018163). Experimental studies and prediction algorithms are not available or were not evaluated, and the functional significance of this variant is currently unknown. In summary, the available evidence is currently insufficient to determine the role of this variant in disease. Therefore, it has been classified as a Variant of Uncertain Significance.

NM_000215.4(JAK3):c.538_543del (p.Arg180_Pro181del)

Gene: JAK3 (Janus kinase 3; minus strand). Cytogenetic location: 19p13.11.
Variant type: Deletion.
Coding change: c.538_543del on transcript NM_000215.4 (MANE Select); coding-DNA positions 538 to 543, 6 bases deleted (CGGCCG; older notation c.538_543delCGGCCG).
Protein change: p.Arg180_Pro181del.
Molecular consequence: inframe deletion.
Genome position (GRCh38, 1-based): chr19:17,843,050-17,843,055, CGGCCG deleted on the plus strand (CGGCCG on the coding strand, the reverse complement: JAK3 is on the minus strand); deleting any 6 consecutive bases within chr19:17,843,050-17,843,056 gives the same sequence; the c. name uses the placement nearest the transcript's 3' end. VCF-style (leftmost placement, unchanged base first): chr19-17843049-CCGGCCG-C. GRCh37 (hg19) VCF-style: chr19-17953858-CCGGCCG-C.
Identifiers: ClinVar variation 2018163 (VCV002018163.3), dbSNP rs759876860, ClinGen allele CA9302135.